The following is an entry in ClinVar:

ClinVar aggregate classification (germline): Likely benign (1 of 4 stars; one submission).

Allele frequency attached by ClinVar (database versions not stated): gnomAD exomes below 0.00001.
gnomAD v4.1: 1 of 1,613,716 alleles (0.000062%); highest among the groups gnomAD compares: East Asian, 0.0022%; no homozygotes.

Submission:

GeneDx
Classification: Likely benign. Last evaluated: 2017-07-21. Review status: criteria provided, single submitter. Criteria: GeneDx Variant Classification (06012015). Collection method: clinical testing. Allele origin: germline. Affected: yes.
Comment: This variant is considered likely benign or benign based on one or more of the following criteria: it is a conservative change, it occurs at a poorly conserved position in the protein, it is predicted to be benign by multiple in silico algorithms, and/or has population frequency not consistent with disease.

NM_005051.3(QARS1):c.1388+17C>T

Gene: QARS1 (glutaminyl-tRNA synthetase 1; minus strand). Cytogenetic location: 3p21.31.
Variant type: single nucleotide variant.
Coding change: c.1388+17C>T on transcript NM_005051.3 (MANE Select); 17 bases into the intron after coding-DNA position 1388, C replaced by T.
Molecular consequence: intron variant.
Genome position (GRCh38, 1-based): chr3:49,099,744, G>A on the plus strand (C>T on the coding strand, the complement: QARS1 is on the minus strand). VCF-style: chr3-49099744-G-A. GRCh37 (hg19) VCF-style: chr3-49137177-G-A.
Other names: c.1355+17C>T (NM_001272073.2).
Identifiers: ClinVar variation 510929 (VCV000510929.1), dbSNP rs1553751829, ClinGen allele CA658796313.